The following is an entry in ClinVar:

NC_000006.11:g.(?_66094269)_(66205758_?)del

Gene: EYS (eyes shut homolog; minus strand). Cytogenetic location: 6q12.
Variant type: Deletion.
Identifiers: ClinVar variation 1457829 (VCV001457829.4).

ClinVar aggregate classification (germline): Pathogenic (1 of 4 stars; one submission).

Submission:

Labcorp Genetics (formerly Invitae), Labcorp
Classification: Pathogenic. Last evaluated: 2022-02-06. Review status: criteria provided, single submitter. Criteria: Invitae Variant Classification Sherloc (09022015). Collection method: clinical testing. Allele origin: germline.
Comment: This variant is a gross deletion of the genomic region encompassing exon(s) 3-8 of the EYS gene, which includes the initiator codon. This deletion extends beyond the assayed region for this gene and therefore may encompass additional genes. It is expected to result in an absent or disrupted protein product. Loss-of-function variants in EYS are known to be pathogenic (PMID: 18836446, 20333770). This variant has not been reported in the literature in individuals affected with EYS-related conditions. For these reasons, this variant has been classified as Pathogenic.

Literature cited by the submitters: PubMed 18836446; PubMed 20333770.